The following is an entry in ClinVar:

NM_005732.4(RAD50):c.2668C>G (p.Gln890Glu)

Gene: RAD50 (RAD50 double strand break repair protein; plus strand). Cytogenetic location: 5q31.1.
Variant type: single nucleotide variant.
Coding change: c.2668C>G on transcript NM_005732.4 (MANE Select); coding-DNA position 2668, C replaced by G.
Protein change: p.Gln890Glu; replaces glutamine 890 with glutamic acid.
Molecular consequence: missense variant.
Genome position (GRCh38, 1-based): chr5:132,604,949, C>G. VCF-style: chr5-132604949-C-G. GRCh37 (hg19) VCF-style: chr5-131940641-C-G.
Other names: short protein forms Q890E.
Identifiers: ClinVar variation 1794514 (VCV001794514.2), dbSNP rs1581002180, ClinGen allele CA360956812.

ClinVar aggregate classification (germline): Uncertain significance (1 of 4 stars; one submission).

Conditions:
Hereditary cancer-predisposing syndrome. Also called: Tumor predisposition; Hereditary Cancer Syndrome; Neoplastic Syndromes, Hereditary; Hereditary neoplastic syndrome. Identifiers: Orphanet 140162, MedGen C0027672, MeSH D009386, MONDO:0015356.

Submission:

Ambry Genetics
Classification: Uncertain significance for Hereditary cancer-predisposing syndrome. Last evaluated: 2015-10-26. Review status: criteria provided, single submitter. Criteria: Ambry Variant Classification Scheme 2023. Collection method: clinical testing. Allele origin: germline.
Comment: The p.Q890E variant (also known as c.2668C>G), located in coding exon 16 of the RAD50 gene, results from a C to G substitution at nucleotide position 2668. The glutamine at codon 890 is replaced by glutamic acid, an amino acid with highly similar properties. This variant was not reported in population based cohorts in the following databases: Database of Single Nucleotide Polymorphisms (dbSNP), NHLBI Exome Sequencing Project (ESP), and 1000 Genomes Project. In the ESP, this variant was not observed in 6503 samples (13006 alleles) with coverage at this position. To date, this alteration has been detected with an allele frequency of approximately 0.002% (greater than 65000 alleles tested) in our clinical cohort. This amino acid position is highly conserved in available vertebrate species. In addition, the in silico prediction for this alteration is inconclusive. Since supporting evidence is limited at this time, the clinical significance of p.Q890E remains unclear.